The following is an entry in ClinVar:

ClinVar aggregate classification (germline): Uncertain significance (1 of 4 stars; one submission).

Submission:

Ambry Genetics
Classification: Uncertain significance. Last evaluated: 2025-03-15. Review status: criteria provided, single submitter. Criteria: Ambry Variant Classification Scheme 2023. Collection method: clinical testing. Allele origin: germline.
Comment: The p.G492V variant (also known as c.1475G>T), located in coding exon 8 of the RNF43 gene, results from a G to T substitution at nucleotide position 1475. The glycine at codon 492 is replaced by valine, an amino acid with dissimilar properties. This amino acid position is conserved. In addition, the in silico prediction for this alteration is inconclusive. Based on the available evidence, the clinical significance of this variant remains unclear.

NM_017763.6(RNF43):c.1475G>T (p.Gly492Val)

Gene: RNF43 (ring finger protein 43; minus strand). Cytogenetic location: 17q22.
Variant type: single nucleotide variant.
Coding change: c.1475G>T on transcript NM_017763.6 (MANE Select); coding-DNA position 1475, G replaced by T.
Protein change: p.Gly492Val; replaces glycine 492 with valine.
Molecular consequence: missense variant.
Genome position (GRCh38, 1-based): chr17:58,358,301, C>A on the plus strand (G>T on the coding strand, the complement: RNF43 is on the minus strand). VCF-style: chr17-58358301-C-A. GRCh37 (hg19) VCF-style: chr17-56435662-C-A.
Other names: c.1475G>T, p.Gly492Val (NM_001305544.3); c.1094G>T, p.Gly365Val (NM_001305545.2); short protein forms G492V, G365V.
Identifiers: ClinVar variation 3946819 (VCV003946819.1).